The following is an entry in ClinVar:

ClinVar aggregate classification (germline): Uncertain significance (0 of 4 stars; one submission).

Conditions:
Prostate cancer. Also called: Malignant tumor of prostate. Identifiers: Orphanet 1331, MedGen C0376358, MONDO:0008315, HP:0012125.

Submission:

Science for Life laboratory,  Karolinska Institutet
Classification: Uncertain significance for Malignant tumor of prostate. Review status: no assertion criteria provided. Collection method: not provided. Allele origin: somatic.
Comment: TumorID:SWE-19
ClinVar note: Converted during submission from Unknown to Uncertain significance.

NM_002249.6(KCNN3):c.1448+1G>T

Gene: KCNN3 (potassium calcium-activated channel subfamily N member 3; minus strand). Cytogenetic location: 1q21.3.
Variant type: single nucleotide variant.
Coding change: c.1448+1G>T on transcript NM_002249.6 (MANE Select); the canonical splice donor site of the intron after coding-DNA position 1448, G replaced by T.
Molecular consequence: splice donor variant.
Genome position (GRCh38, 1-based): chr1:154,771,974, C>A on the plus strand (G>T on the coding strand, the complement: KCNN3 is on the minus strand). VCF-style: chr1-154771974-C-A. GRCh37 (hg19) VCF-style: chr1-154744450-C-A.
Other names: c.1448+1G>T (NM_001204087.2); c.533+1G>T (NM_170782.3); c.509+1G>T (NM_001365838.1, NM_001365837.1).
Identifiers: ClinVar variation 161592 (VCV000161592.2), dbSNP rs193920929, ClinGen allele CA174410.